The following is an entry in ClinVar:

ClinVar aggregate classification (germline): Uncertain significance (1 of 4 stars; one submission).

gnomAD v4.1: 2 of 1,614,086 alleles (0.00012%); highest among the groups gnomAD compares: African/African-American, 0.0027%; no homozygotes.

Submission:

Labcorp Genetics (formerly Invitae), Labcorp
Classification: Uncertain significance. Last evaluated: 2025-03-18. Review status: criteria provided, single submitter. Criteria: Invitae Variant Classification Sherloc (09022015). Collection method: clinical testing. Allele origin: germline.
Comment: This sequence change replaces alanine, which is neutral and non-polar, with threonine, which is neutral and polar, at codon 425 of the KANK1 protein (p.Ala425Thr). This variant is present in population databases (rs745453738, gnomAD 0.007%). This variant has not been reported in the literature in individuals affected with KANK1-related conditions. Invitae Evidence Modeling of protein sequence and biophysical properties (such as structural, functional, and spatial information, amino acid conservation, physicochemical variation, residue mobility, and thermodynamic stability) indicates that this missense variant is not expected to disrupt KANK1 protein function with a negative predictive value of 80%. In summary, the available evidence is currently insufficient to determine the role of this variant in disease. Therefore, it has been classified as a Variant of Uncertain Significance.

NM_015158.5(KANK1):c.1273G>A (p.Ala425Thr)

Gene: KANK1 (KN motif and ankyrin repeat domains 1; plus strand). Cytogenetic location: 9p24.3.
Variant type: single nucleotide variant.
Coding change: c.1273G>A on transcript NM_015158.5 (MANE Select); coding-DNA position 1273, G replaced by A.
Protein change: p.Ala425Thr; replaces alanine 425 with threonine.
Molecular consequence: missense variant. On other transcripts: non-coding transcript variant (1).
Genome position (GRCh38, 1-based): chr9:712,039, G>A. VCF-style: chr9-712039-G-A. GRCh37 (hg19) VCF-style: chr9-712039-G-A.
Other names: c.1273G>A, p.Ala425Thr (NM_001256876.3, NM_001256877.3, NM_001354331.2 and 3 more transcripts); c.799G>A, p.Ala267Thr (NM_001354333.2, NM_001354335.2, NM_001354336.2 and 10 more transcripts); short protein forms A267T, A425T.
Identifiers: ClinVar variation 4767087 (VCV004767087.1).
Genomic context (GRCh38, chr9:712,039, plus strand): 5'-GCCGAGGAGAACATGAACGACATCGTCGTGTACCACAGAGGCTCCAGGTCCTGTAAGGAT[G>A]CAGCTGTAGGGACACTTGTTGAGATGAGAAATTGTGGGGTCAGCGTGACAGAGGCCATGC-3'
Protein context (NP_055973.2, residues 415-435): YHRGSRSCKD[Ala425Thr]AVGTLVEMRN